The following is an entry in ClinVar:

NM_014233.4(UBTF):c.2238G>C (p.Glu746Asp)

Genes: ATXN7L3-AS1 (ATXN7L3 antisense RNA 1; plus strand), UBTF (upstream binding transcription factor; minus strand). Cytogenetic location: 17q21.31.
Variant type: single nucleotide variant.
Coding change: c.2238G>C on transcript NM_014233.4 (MANE Select); coding-DNA position 2238, G replaced by C.
Protein change: p.Glu746Asp; replaces glutamic acid 746 with aspartic acid.
Molecular consequence: missense variant. On other transcripts: non-coding transcript variant (1).
Genome position (GRCh38, 1-based): chr17:44,207,299, C>G on the plus strand (G>C on the coding strand, the complement: UBTF is on the minus strand). VCF-style: chr17-44207299-C-G. GRCh37 (hg19) VCF-style: chr17-42284667-C-G.
Other names: c.2127G>C, p.Glu709Asp (NM_001076683.2, NM_001076684.3); short protein forms E709D, E746D.
Identifiers: ClinVar variation 4886025 (VCV004886025.2).
Genomic context (GRCh38, chr17:44,207,299, plus strand): 5'-GCCTCAGTTGGAGTCAGAGTCTGAGGAGTCCCCTGAGGAGGAGGAGCTGGAGCTGCTGCC[C>G]TCGGACTCATTATCTTCATCCTCATCGTCATCCTCGTCGTCGTCTTCGTCCTCGTCATCC-3'
Protein context (NP_055048.1, residues 736-756): DDDEDEDNES[Glu746Asp]GSSSSSSSSG

ClinVar aggregate classification (germline): Uncertain significance (1 of 4 stars; one submission).

gnomAD v4.1: 2 of 1,613,144 alleles (0.00012%); highest among the groups gnomAD compares: Non-Finnish European, 0.000085%; no homozygotes.

Submission:

Dasa
Classification: Uncertain significance. Last evaluated: 2026-02-20. Review status: criteria provided, single submitter. Criteria: DASA Assertion Criteria. Collection method: clinical testing. Allele origin: germline.
Comment: NM_014233.4(UBTF):c.2238G>C (p.Glu746Asp) is a missense variant that results in the substitution of glutamic acid with aspartic acid. This variant is rare in population databases. The currently available literature and clinical evidence are not sufficient to establish a definitive association between this variant and the reported condition. Therefore, this variant is classified as a variant of uncertain significance.